The following is an entry in ClinVar:

ClinVar aggregate classification (germline): Uncertain significance (1 of 4 stars; one submission).

Allele frequency attached by ClinVar (database versions not stated): gnomAD 0.00002 and 0.00003; TOPMed 0.00002; gnomAD exomes 0.00003 and 0.00005.

Submission:

Labcorp Genetics (formerly Invitae), Labcorp
Classification: Uncertain significance. Last evaluated: 2025-12-21. Review status: criteria provided, single submitter. Criteria: Invitae Variant Classification Sherloc (09022015). Collection method: clinical testing. Allele origin: germline.
Comment: This sequence change replaces valine, which is neutral and non-polar, with isoleucine, which is neutral and non-polar, at codon 205 of the DEAF1 protein (p.Val205Ile). This variant is present in population databases (no rsID available, gnomAD 0.006%). This variant has not been reported in the literature in individuals affected with DEAF1-related conditions. ClinVar contains an entry for this variant (Variation ID: 1401611). Invitae Evidence Modeling of protein sequence and biophysical properties (such as structural, functional, and spatial information, amino acid conservation, physicochemical variation, residue mobility, and thermodynamic stability) has been performed for this missense variant. However, the output from this modeling did not meet the statistical confidence thresholds required to predict the impact of this variant on DEAF1 protein function. In summary, the available evidence is currently insufficient to determine the role of this variant in disease. Therefore, it has been classified as a Variant of Uncertain Significance.

NM_021008.4(DEAF1):c.613G>A (p.Val205Ile)

Gene: DEAF1 (DEAF1 transcription factor; minus strand). Cytogenetic location: 11p15.5.
Variant type: single nucleotide variant.
Coding change: c.613G>A on transcript NM_021008.4 (MANE Select); coding-DNA position 613, G replaced by A.
Protein change: p.Val205Ile; replaces valine 205 with isoleucine.
Molecular consequence: missense variant. On other transcripts: 5 prime UTR variant (1).
Genome position (GRCh38, 1-based): chr11:687,962, C>T on the plus strand (G>A on the coding strand, the complement: DEAF1 is on the minus strand). VCF-style: chr11-687962-C-T. GRCh37 (hg19) VCF-style: chr11-687962-C-T.
Other names: c.613G>A, p.Val205Ile (NM_001293634.2); c.-114G>A (NM_001367390.1); short protein forms V205I.
Identifiers: ClinVar variation 1401611 (VCV001401611.8), dbSNP rs893284652, ClinGen allele CA216908165.